The following is an entry in ClinVar:

ClinVar aggregate classification (germline): Conflicting classifications of pathogenicity. Review status: criteria provided, conflicting classifications (1 of 4 stars). 2 submissions from 2 submitters: Uncertain significance (1); Likely benign (1). Last evaluated 2025-10-01.

Conditions:
RASopathy. Also called: Noonan spectrum disorder; rasopathies. Identifiers: Orphanet 536391, MedGen C5555857, MONDO:0021060.

Submissions (2):

Labcorp Genetics (formerly Invitae), Labcorp
Classification: Uncertain significance for RASopathy. Last evaluated: 2025-10-01. Review status: criteria provided, single submitter. Criteria: Invitae Variant Classification Sherloc (09022015). Collection method: clinical testing. Allele origin: germline.
Comment: This sequence change replaces aspartic acid, which is acidic and polar, with asparagine, which is neutral and polar, at codon 742 of the BRAF protein (p.Asp742Asn). This variant is not present in population databases (gnomAD no frequency). This variant has not been reported in the literature in individuals affected with BRAF-related conditions. ClinVar contains an entry for this variant (Variation ID: 379609). Invitae Evidence Modeling incorporating data from in vitro experimental studies (internal data) indicates that this missense variant is not expected to disrupt BRAF function with a negative predictive value of 95%. In summary, the available evidence is currently insufficient to determine the role of this variant in disease. Therefore, it has been classified as a Variant of Uncertain Significance.

GeneDx
Classification: Likely benign. Last evaluated: 2015-04-24. Review status: criteria provided, single submitter. Criteria: GeneDx Variant Classification (06012015). Collection method: clinical testing. Allele origin: germline. Affected: yes.
Comment: This variant is considered likely benign or benign based on one or more of the following criteria: it is a conservative change, it occurs at a poorly conserved position in the protein, it is predicted to be benign by multiple in silico algorithms, and/or has population frequency not consistent with disease.

NM_004333.6(BRAF):c.2224G>A (p.Asp742Asn)

Gene: BRAF (B-Raf proto-oncogene, serine/threonine kinase; minus strand). Cytogenetic location: 7q34.
Variant type: single nucleotide variant.
Coding change: c.2224G>A on transcript NM_004333.6 (MANE Select); coding-DNA position 2224, G replaced by A.
Protein change: p.Asp742Asn; replaces aspartic acid 742 with asparagine.
Molecular consequence: missense variant. On other transcripts: intron variant (2).
Genome position (GRCh38, 1-based): chr7:140,734,674, C>T on the plus strand (G>A on the coding strand, the complement: BRAF is on the minus strand). VCF-style: chr7-140734674-C-T. GRCh37 (hg19) VCF-style: chr7-140434474-C-T.
Other names: c.2224G>A, p.Asp742Asn (NM_001354609.2); c.2344G>A, p.Asp782Asn (NM_001374244.1, NM_001374258.1); c.2233G>A, p.Asp745Asn (NM_001378467.1); c.2158G>A, p.Asp720Asn (NM_001378469.1); c.2122G>A, p.Asp708Asn (NM_001378470.1); c.2113G>A, p.Asp705Asn (NM_001378471.1); c.2068G>A, p.Asp690Asn (NM_001378472.1, NM_001378473.1); c.1960G>A, p.Asp654Asn (NM_001378475.1); and 1 more; short protein forms D742N, D654N, D690N, D705N, D708N, D720N, D745N, D782N.
Identifiers: ClinVar variation 379609 (VCV000379609.2), dbSNP rs1057520665, ClinGen allele CA16605131.